The following is an entry in ClinVar:

ClinVar aggregate classification (germline): Uncertain significance (1 of 4 stars; one submission).

gnomAD v4.1: 8 of 1,614,120 alleles (0.0005%); highest among the groups gnomAD compares: Non-Finnish European, 0.00042%; no homozygotes.

Submission:

GeneDx
Classification: Uncertain significance. Last evaluated: 2023-05-25. Review status: criteria provided, single submitter. Criteria: GeneDx Variant Classification Process June 2021. Collection method: clinical testing. Allele origin: germline. Affected: yes.
Comment: In silico analysis supports that this missense variant has a deleterious effect on protein structure/function; Has not been previously published as pathogenic or benign to our knowledge

NM_004999.4(MYO6):c.3611G>A (p.Arg1204Gln)

Gene: MYO6 (myosin VI; plus strand). Cytogenetic location: 6q14.1.
Variant type: single nucleotide variant.
Coding change: c.3611G>A on transcript NM_004999.4 (MANE Select); coding-DNA position 3611, G replaced by A.
Protein change: p.Arg1204Gln; replaces arginine 1204 with glutamine.
Molecular consequence: missense variant. On other transcripts: non-coding transcript variant (1).
Genome position (GRCh38, 1-based): chr6:75,914,234, G>A. VCF-style: chr6-75914234-G-A. GRCh37 (hg19) VCF-style: chr6-76623951-G-A.
Other names: c.3542G>A, p.Arg1181Gln (NM_001300899.2); c.3515G>A, p.Arg1172Gln (NM_001368136.1); c.3572G>A, p.Arg1191Gln (NM_001368137.1); c.3527G>A, p.Arg1176Gln (NM_001368138.1); c.3638G>A, p.Arg1213Gln (NM_001368865.1); c.3611G>A, p.Arg1204Gln (NM_001368866.1); short protein forms R1172Q, R1176Q, R1181Q, R1191Q, R1204Q, R1213Q.
Identifiers: ClinVar variation 3343553 (VCV003343553.1).
Genomic context (GRCh38, chr6:75,914,234, plus strand): 5'-ACCCTCAGAGTAAGAAAAAAGGCTGGTGGTATGCCCATTTTGATGGACCATGGATTGCCC[G>A]GCAAATGGAACTCCATCCTGACAAGCCACCCATCCTACTTGTGGCTGGTGTGTATGATTC-3'
Protein context (NP_004990.3, residues 1194-1214): YAHFDGPWIA[Arg1204Gln]QMELHPDKPP